The following is an entry in ClinVar:

NM_004136.4(IREB2):c.1966G>A (p.Gly656Ser)

Gene: IREB2 (iron responsive element binding protein 2; plus strand). Cytogenetic location: 15q25.1.
Variant type: single nucleotide variant.
Coding change: c.1966G>A on transcript NM_004136.4 (MANE Select); coding-DNA position 1966, G replaced by A.
Protein change: p.Gly656Ser; replaces glycine 656 with serine.
Molecular consequence: missense variant.
Genome position (GRCh38, 1-based): chr15:78,488,661, G>A. VCF-style: chr15-78488661-G-A. GRCh37 (hg19) VCF-style: chr15-78781003-G-A.
Other names: c.1216G>A, p.Gly406Ser (NM_001320941.2); c.1795G>A, p.Gly599Ser (NM_001320942.2, NM_001354994.2); c.1966G>A (NM_004136.2); short protein forms G599S, G656S, G406S.
Identifiers: ClinVar variation 2170976 (VCV002170976.5), dbSNP rs772355391, ClinGen allele CA7683115.

ClinVar aggregate classification (germline): Uncertain significance. Review status: criteria provided, multiple submitters, no conflicts (2 of 4 stars). 2 submissions from 2 submitters: Uncertain significance (2). Last evaluated 2025-04-01.

Conditions:
Inborn genetic diseases. Identifiers: MedGen C0950123, MeSH D030342.

Allele frequency attached by ClinVar (database versions not stated): gnomAD exomes 0.00001; ExAC 0.00003; TOPMed 0.00003.
gnomAD v4.1: 20 of 1,609,786 alleles (0.0012%); highest among the groups gnomAD compares: Admixed American, 0.027%; no homozygotes.

Submissions (2):

Ambry Genetics
Classification: Uncertain significance for Inborn genetic diseases. Last evaluated: 2025-04-01. Review status: criteria provided, single submitter. Criteria: Ambry Variant Classification Scheme 2023. Collection method: clinical testing. Allele origin: germline.

Labcorp Genetics (formerly Invitae), Labcorp
Classification: Uncertain significance. Last evaluated: 2022-05-12. Review status: criteria provided, single submitter. Criteria: Invitae Variant Classification Sherloc (09022015). Collection method: clinical testing. Allele origin: germline.
Comment: Algorithms developed to predict the effect of missense changes on protein structure and function are either unavailable or do not agree on the potential impact of this missense change (SIFT: "Not Available"; PolyPhen-2: "Probably Damaging"; Align-GVGD: "Not Available"). This variant has not been reported in the literature in individuals affected with IREB2-related conditions. This variant is present in population databases (rs772355391, gnomAD 0.03%). This sequence change replaces glycine, which is neutral and non-polar, with serine, which is neutral and polar, at codon 656 of the IREB2 protein (p.Gly656Ser). In summary, the available evidence is currently insufficient to determine the role of this variant in disease. Therefore, it has been classified as a Variant of Uncertain Significance.